The following is an entry in ClinVar:

ClinVar aggregate classification (germline): Uncertain significance. Review status: criteria provided, multiple submitters, no conflicts (2 of 4 stars). 4 submissions from 4 submitters: Uncertain significance (3). 1 of the submissions does not count toward it. Last evaluated 2025-11-27.

Conditions:
HOXD13-related disorder. Also called: HOXD13-related disorders; HOXD13-related condition.
Brachydactyly type D. Also called: STUB THUMB. Identifiers: MedGen C0220664, MONDO:0007222, OMIM 113200, HP:0005627.
Brachydactyly type E1 (BDE1). Identifiers: Orphanet 93387, MedGen C1862102, MONDO:0007223, OMIM 113300.
Brachydactyly-syndactyly syndrome (BDSD). Identifiers: Orphanet 93409, MedGen C1853137, MONDO:0012544, OMIM 610713.
Synpolydactyly type 1. Identifiers: Orphanet 295195, MedGen C5574994, MONDO:0008513, OMIM 186000.
Syndactyly type 5. Also called: Syndactyly with associated metacarpal and metatarsal fusion; Syndactyly, type V; SYNDACTYLY WITH METACARPAL AND METATARSAL FUSION. Identifiers: Orphanet 93406, MedGen C1861348, MONDO:0008516, OMIM 186300.

Allele frequency attached by ClinVar (database versions not stated): TOPMed 0.00001.
gnomAD v4.1: 46 of 1,608,794 alleles (0.0029%); highest among the groups gnomAD compares: Non-Finnish European, 0.0036%; 1 homozygote.

Submissions (4):

Labcorp Genetics (formerly Invitae), Labcorp
Classification: Uncertain significance. Last evaluated: 2025-11-27. Review status: criteria provided, single submitter. Criteria: Invitae Variant Classification Sherloc (09022015). Collection method: clinical testing. Allele origin: germline.
Comment: This sequence change replaces proline, which is neutral and non-polar, with arginine, which is basic and polar, at codon 99 of the HOXD13 protein (p.Pro99Arg). This variant is present in population databases (rs143487752, gnomAD 0.005%). This variant has not been reported in the literature in individuals affected with HOXD13-related conditions. ClinVar contains an entry for this variant (Variation ID: 493303). Invitae Evidence Modeling of protein sequence and biophysical properties (such as structural, functional, and spatial information, amino acid conservation, physicochemical variation, residue mobility, and thermodynamic stability) indicates that this missense variant is not expected to disrupt HOXD13 protein function with a negative predictive value of 80%. In summary, the available evidence is currently insufficient to determine the role of this variant in disease. Therefore, it has been classified as a Variant of Uncertain Significance.

Fulgent Genetics
Classification: Uncertain significance for Brachydactyly type D; Brachydactyly type E1; Synpolydactyly type 1; Syndactyly type 5; Brachydactyly-syndactyly syndrome. Last evaluated: 2021-08-25. Review status: criteria provided, single submitter. Criteria: ACMG Guidelines, 2015. Collection method: clinical testing. Allele origin: unknown.

CeGaT Center for Human Genetics Tuebingen
Classification: Uncertain significance. Last evaluated: 2017-09-01. Review status: criteria provided, single submitter. Criteria: CeGaT Center For Human Genetics Tuebingen Variant Classification Criteria Version 2. Collection method: clinical testing. Allele origin: germline. Affected: yes. Observed: 1 variant allele.

PreventionGenetics, part of Exact Sciences
Classification: Uncertain significance for HOXD13-related condition. Last evaluated: 2024-02-27. Review status: no assertion criteria provided. Collection method: clinical testing. Allele origin: germline. Not counted in ClinVar's aggregate classification.
Comment: The HOXD13 c.296C>G variant is predicted to result in the amino acid substitution p.Pro99Arg. To our knowledge, this variant has not been reported in the literature. This variant is reported in 0.0047% of alleles in individuals of European (Non-Finnish) descent in gnomAD. At this time, the clinical significance of this variant is uncertain due to the absence of conclusive functional and genetic evidence.

NM_000523.4(HOXD13):c.296C>G (p.Pro99Arg)

Gene: HOXD13 (homeobox D13; plus strand). Cytogenetic location: 2q31.1.
Variant type: single nucleotide variant.
Coding change: c.296C>G on transcript NM_000523.4 (MANE Select); coding-DNA position 296, C replaced by G.
Protein change: p.Pro99Arg; replaces proline 99 with arginine.
Molecular consequence: missense variant.
Genome position (GRCh38, 1-based): chr2:176,093,186, C>G. VCF-style: chr2-176093186-C-G. GRCh37 (hg19) VCF-style: chr2-176957914-C-G.
Other names: c.296C>G (NM_000523.3); short protein forms P99R.
Identifiers: ClinVar variation 493303 (VCV000493303.46), dbSNP rs143487752, ClinGen allele CA1976569.
Genomic context (GRCh38, chr2:176,093,186, plus strand): 5'-CCTCTGAGCGCACGGGCTCTTCCTCGTCGTCGTCCTCTTCTGCCGTTGTAGCGGCGCGCC[C>G]GGAGGCTCCCCCAGCCAAAGAGTGCCCAGCACCCACGCCTGCAGCGGCCGCTGCAGCGCC-3'
Protein context (NP_000514.2, residues 89-109): SSSSAVVAAR[Pro99Arg]EAPPAKECPA